The following is an entry in ClinVar:

NM_005506.4(SCARB2):c.1201A>G (p.Ile401Val)

Gene: SCARB2 (scavenger receptor class B member 2; minus strand). Cytogenetic location: 4q21.1.
Variant type: single nucleotide variant.
Coding change: c.1201A>G on transcript NM_005506.4 (MANE Select); coding-DNA position 1201, A replaced by G.
Protein change: p.Ile401Val; replaces isoleucine 401 with valine.
Molecular consequence: missense variant.
Genome position (GRCh38, 1-based): chr4:76,166,288, T>C on the plus strand (A>G on the coding strand, the complement: SCARB2 is on the minus strand). VCF-style: chr4-76166288-T-C. GRCh37 (hg19) VCF-style: chr4-77087441-T-C.
Other names: c.772A>G, p.Ile258Val (NM_001204255.2); short protein forms I258V, I401V.
Identifiers: ClinVar variation 1428466 (VCV001428466.8), dbSNP rs1405139421, ClinGen allele CA357314102.

ClinVar aggregate classification (germline): Uncertain significance (1 of 4 stars; one submission).

Conditions:
Progressive myoclonic epilepsy. Also called: Progressive myoclonus epilepsy; Myoclonus epilepsy; Familial progressive myoclonic epilepsy; Myoclonic Epilepsies, Progressive. Identifiers: Orphanet 308, Orphanet 98261, MedGen C0751778, MONDO:0020074.

Allele frequency attached by ClinVar (database versions not stated): TOPMed below 0.00001.

Submission:

Labcorp Genetics (formerly Invitae), Labcorp
Classification: Uncertain significance for Progressive myoclonic epilepsy. Last evaluated: 2025-02-10. Review status: criteria provided, single submitter. Criteria: Invitae Variant Classification Sherloc (09022015). Collection method: clinical testing. Allele origin: germline.
Comment: This sequence change replaces isoleucine, which is neutral and non-polar, with valine, which is neutral and non-polar, at codon 401 of the SCARB2 protein (p.Ile401Val). This variant is not present in population databases (gnomAD no frequency). This variant has not been reported in the literature in individuals affected with SCARB2-related conditions. ClinVar contains an entry for this variant (Variation ID: 1428466). Invitae Evidence Modeling of protein sequence and biophysical properties (such as structural, functional, and spatial information, amino acid conservation, physicochemical variation, residue mobility, and thermodynamic stability) indicates that this missense variant is not expected to disrupt SCARB2 protein function with a negative predictive value of 80%. In summary, the available evidence is currently insufficient to determine the role of this variant in disease. Therefore, it has been classified as a Variant of Uncertain Significance.